The following is an entry in ClinVar:

ClinVar aggregate classification (germline): Likely benign (0 of 4 stars; one submission).

Conditions:
ABCA7-related disorder. Also called: ABCA7-related condition.

Allele frequency attached by ClinVar (database versions not stated): TOPMed 0.00002; gnomAD 0.00003; ESP Exome Variant Server 0.00008.
gnomAD v4.1: 14 of 1,577,944 alleles (0.00089%); highest among the groups gnomAD compares: East Asian, 0.0023%; no homozygotes.

Submission:

PreventionGenetics, part of Exact Sciences
Classification: Likely benign for ABCA7-related condition. Last evaluated: 2019-08-05. Review status: no assertion criteria provided. Collection method: clinical testing. Allele origin: germline.
Comment: This variant is classified as likely benign based on ACMG/AMP sequence variant interpretation guidelines (Richards et al. 2015 PMID: 25741868, with internal and published modifications).

NM_019112.4(ABCA7):c.3891C>T (p.Leu1297=)

Gene: ABCA7 (ATP binding cassette subfamily A member 7; plus strand). Cytogenetic location: 19p13.3.
Variant type: single nucleotide variant.
Coding change: c.3891C>T on transcript NM_019112.4 (MANE Select); coding-DNA position 3891, C replaced by T.
Protein change: p.Leu1297=; no amino-acid change (leucine 1297 retained).
Molecular consequence: synonymous variant.
Genome position (GRCh38, 1-based): chr19:1,054,819, C>T. VCF-style: chr19-1054819-C-T. GRCh37 (hg19) VCF-style: chr19-1054818-C-T.
Identifiers: ClinVar variation 3035412 (VCV003035412.2), dbSNP rs368024653, ClinGen allele CA9034279.